The following is an entry in ClinVar:

ClinVar aggregate classification (germline): Uncertain significance (1 of 4 stars; one submission).

Conditions:
RYR1-related disorder. Also called: RYR1-related condition; RYR1-related disorders. Identifiers: MedGen CN239331.

Submission:

Labcorp Genetics (formerly Invitae), Labcorp
Classification: Uncertain significance for RYR1-related disorder. Last evaluated: 2023-03-16. Review status: criteria provided, single submitter. Criteria: Invitae Variant Classification Sherloc (09022015). Collection method: clinical testing. Allele origin: germline.
Comment: In summary, the available evidence is currently insufficient to determine the role of this variant in disease. Therefore, it has been classified as a Variant of Uncertain Significance. Advanced modeling of protein sequence and biophysical properties (such as structural, functional, and spatial information, amino acid conservation, physicochemical variation, residue mobility, and thermodynamic stability) performed at Invitae indicates that this missense variant is not expected to disrupt RYR1 protein function. This variant has not been reported in the literature in individuals affected with RYR1-related conditions. This variant is not present in population databases (gnomAD no frequency). This sequence change replaces glutamic acid, which is acidic and polar, with glutamine, which is neutral and polar, at codon 1092 of the RYR1 protein (p.Glu1092Gln).

NM_000540.3(RYR1):c.3274G>C (p.Glu1092Gln)

Gene: RYR1 (ryanodine receptor 1; plus strand). Cytogenetic location: 19q13.2.
Variant type: single nucleotide variant.
Coding change: c.3274G>C on transcript NM_000540.3 (MANE Select); coding-DNA position 3274, G replaced by C.
Protein change: p.Glu1092Gln; replaces glutamic acid 1092 with glutamine.
Molecular consequence: missense variant.
Genome position (GRCh38, 1-based): chr19:38,467,705, G>C. VCF-style: chr19-38467705-G-C. GRCh37 (hg19) VCF-style: chr19-38958345-G-C.
Other names: c.3274G>C, p.Glu1092Gln (NM_001042723.2); short protein forms E1092Q.
Identifiers: ClinVar variation 2916818 (VCV002916818.3), dbSNP rs2514101996, ClinGen allele CA405637188.